The following is an entry in ClinVar:

ClinVar aggregate classification (germline): Uncertain significance. Review status: criteria provided, multiple submitters, no conflicts (2 of 4 stars). 2 submissions from 2 submitters: Uncertain significance (2). Last evaluated 2024-02-14.

Conditions:
Intellectual developmental disorder, autosomal dominant 70. Identifiers: MedGen C5774271, MONDO:0859333, OMIM 620157.

Allele frequency attached by ClinVar (database versions not stated): TOPMed below 0.00001; gnomAD 0.00001; gnomAD exomes 0.00001.
gnomAD v4.1: 11 of 1,551,710 alleles (0.00071%); highest among the groups gnomAD compares: Non-Finnish European, 0.00096%; no homozygotes.

Submissions (2):

Baylor Genetics
Classification: Uncertain significance for Intellectual developmental disorder, autosomal dominant 70. Last evaluated: 2024-02-14. Review status: criteria provided, single submitter. Criteria: ACMG Guidelines, 2015. Collection method: clinical testing. Allele origin: unknown.

Greenwood Genetic Center Diagnostic Laboratories, Greenwood Genetic Center
Classification: Uncertain significance. Last evaluated: 2021-09-23. Review status: criteria provided, single submitter. Criteria: ACMG Guidelines, 2015. Collection method: clinical testing. Allele origin: germline. Affected: yes.
Comment: PM2

NM_014159.7(SETD2):c.435G>C (p.Lys145Asn)

Gene: SETD2 (SET domain containing 2, histone lysine methyltransferase; minus strand). Cytogenetic location: 3p21.31.
Variant type: single nucleotide variant.
Coding change: c.435G>C on transcript NM_014159.7 (MANE Select); coding-DNA position 435, G replaced by C.
Protein change: p.Lys145Asn; replaces lysine 145 with asparagine.
Molecular consequence: missense variant. On other transcripts: non-coding transcript variant (1).
Genome position (GRCh38, 1-based): chr3:47,124,201, C>G on the plus strand (G>C on the coding strand, the complement: SETD2 is on the minus strand). VCF-style: chr3-47124201-C-G. GRCh37 (hg19) VCF-style: chr3-47165691-C-G.
Other names: c.303G>C, p.Lys101Asn (NM_001349370.3); short protein forms K101N, K145N.
Identifiers: ClinVar variation 1334579 (VCV001334579.5), dbSNP rs749274416, ClinGen allele CA73812285.
Genomic context (GRCh38, chr3:47,124,201, plus strand): 5'-AGATGCTACTGCTGTGGTAGTAGCCAGCAGTGGCCTGGATGTTACATGAAGCAGATGTTT[C>G]TTAAAATGAATTTTGCCCAATTCCACCCTTGACTTTGGTGGGGAAGATTCTTCTGCAGTA-3'
Protein context (NP_054878.5, residues 135-155): SRVELGKIHF[Lys145Asn]KHLLHVTSRP